The following is an entry in ClinVar:

NM_001267550.2(TTN):c.6941T>C (p.Ile2314Thr)

Genes: TTN (titin; minus strand), LOC126806433 (BRD4-independent group 4 enhancer GRCh37_chr2:179638309-179639508; plus strand). Cytogenetic location: 2q31.2.
Variant type: single nucleotide variant.
Coding change: c.6941T>C on transcript NM_001267550.2 (MANE Select); coding-DNA position 6941, T replaced by C.
Protein change: p.Ile2314Thr; replaces isoleucine 2314 with threonine.
Molecular consequence: missense variant.
Genome position (GRCh38, 1-based): chr2:178,774,323, A>G on the plus strand (T>C on the coding strand, the complement: TTN is on the minus strand). VCF-style: chr2-178774323-A-G. GRCh37 (hg19) VCF-style: chr2-179639050-A-G.
Other names: c.6803T>C, p.Ile2268Thr (NM_003319.4, NM_133432.3, NM_133437.4); c.6941T>C, p.Ile2314Thr (NM_133378.4, NM_001256850.1, NM_133379.5); short protein forms I2314T, I2268T.
Identifiers: ClinVar variation 47354 (VCV000047354.9), dbSNP rs397517708, ClinGen allele CA140768.

ClinVar aggregate classification (germline): Uncertain significance. Review status: criteria provided, multiple submitters, no conflicts (2 of 4 stars). 2 submissions from 2 submitters: Uncertain significance (2). Last evaluated 2016-07-15.

Conditions:
Cardiovascular phenotype. Identifiers: MedGen CN230736.

Allele frequency attached by ClinVar (database versions not stated): gnomAD exomes below 0.00001 and 0.00001; ExAC 0.00001; gnomAD 0.00001; TOPMed 0.00003.
gnomAD v4.1: 18 of 1,613,946 alleles (0.0011%); highest among the groups gnomAD compares: Non-Finnish European, 0.0015%; no homozygotes.

Submissions (2):

Ambry Genetics
Classification: Uncertain significance for Cardiovascular phenotype. Last evaluated: 2016-07-15. Review status: criteria provided, single submitter. Criteria: Ambry Variant Classification Scheme 2023. Collection method: clinical testing. Allele origin: germline.
Comment: The p.I2268T variant (also known as c.6803T>C), located in coding exon 28 of the TTN gene, results from a T to C substitution at nucleotide position 6803. The isoleucine at codon 2268 is replaced by threonine, an amino acid with similar properties, and is located in the I-band region of the N2-B isoform of the titin protein. This variant was reported, as p.I2314T (c.6941T>C), in one individual with dilated cardiomyopathy (DCM) who also had variants in other cardiac-related genes (Pugh TJ et al. Genet. Med., 2014 Aug;16:601-8). This variant was previously reported in the SNPDatabase as rs397517708. Based on data from ExAC, the C allele has an overall frequency of approximately <0.01% (1/121336). This variant was not reported in population based cohorts in the following databases: NHLBI Exome Sequencing Project (ESP), and 1000 Genomes Project. In the ESP, this variant was not observed in 6503 samples (13006 alleles) with coverage at this position. This amino acid position is not well conserved in available vertebrate species. In addition, the in silico prediction for this alteration is inconclusive. Since supporting evidence is limited at this time, the clinical significance of this alteration remains unclear.

Laboratory for Molecular Medicine, Mass General Brigham Personalized Medicine
Classification: Uncertain significance. Last evaluated: 2012-09-24. Review status: criteria provided, single submitter. Criteria: LMM Criteria. Collection method: clinical testing. Allele origin: germline. Observed: 2 variant alleles.
Comment: The Ile2314Thr variant in TTN has not been reported in the literature, but has b een identified by our laboratory in one individual with DCM and one individual w ith features of DCM (reduced ejection fraction and dilated left ventricle). Both probands carried several additional variants of unknown significance (LMM unpub lished data). Computational analyses (biochemical amino acid properties, conserv ation, AlignGVGD, PolyPhen2, and SIFT) do not provide strong support for or agai nst an impact to the protein. In summary, additional information is needed to fu lly assess the clinical significance of the Ile2314Thr variant.

Literature cited by the submitters: PubMed 24503780 (cited by Ambry Genetics).